The following is an entry in ClinVar:

ClinVar aggregate classification (germline): Likely benign (1 of 4 stars; one submission).

gnomAD v4.1: 1,130 of 1,613,966 alleles (0.07%); highest among the groups gnomAD compares: African/African-American, 1.4%; 6 homozygotes.

Submission:

CeGaT Center for Human Genetics Tuebingen
Classification: Likely benign. Last evaluated: 2026-09-01. Review status: criteria provided, single submitter. Criteria: CeGaT Center For Human Genetics Tuebingen Variant Classification Criteria Version 2. Collection method: clinical testing. Allele origin: germline. Affected: yes. Observed: 2 variant alleles.
Comment: PMPCB: BP4, BS1

NM_004279.3(PMPCB):c.1405+22C>T

Gene: PMPCB (peptidase, mitochondrial processing subunit beta; plus strand). Cytogenetic location: 7q22.1.
Variant type: single nucleotide variant.
Coding change: c.1405+22C>T on transcript NM_004279.3 (MANE Select); 22 bases into the intron after coding-DNA position 1405, C replaced by T.
Molecular consequence: intron variant. On other transcripts: missense variant (1).
Genome position (GRCh38, 1-based): chr7:103,312,153, C>T. VCF-style: chr7-103312153-C-T. GRCh37 (hg19) VCF-style: chr7-102952600-C-T.
Other names: c.1427C>T, p.Ser476Phe (NM_001438231.1); short protein forms S476F.
Identifiers: ClinVar variation 4872540 (VCV004872540.2).